The following is an entry in ClinVar:

ClinVar aggregate classification (germline): Uncertain significance (1 of 4 stars; one submission).

gnomAD v4.1: 2 of 1,613,944 alleles (0.00012%); highest among the groups gnomAD compares: Non-Finnish European, 0.00017%; no homozygotes.

Submission:

Labcorp Genetics (formerly Invitae), Labcorp
Classification: Uncertain significance. Last evaluated: 2024-10-30. Review status: criteria provided, single submitter. Criteria: Invitae Variant Classification Sherloc (09022015). Collection method: clinical testing. Allele origin: germline.
Comment: This sequence change affects codon 475 of the CLCN6 mRNA. It is a 'silent' change, meaning that it does not change the encoded amino acid sequence of the CLCN6 protein. This variant is not present in population databases (gnomAD no frequency). This variant has not been reported in the literature in individuals affected with CLCN6-related conditions. ClinVar contains an entry for this variant (Variation ID: 1438581). Algorithms developed to predict the effect of sequence changes on RNA splicing suggest that this variant may create or strengthen a splice site. In summary, the available evidence is currently insufficient to determine the role of this variant in disease. Therefore, it has been classified as a Variant of Uncertain Significance.

NM_001286.5(CLCN6):c.1425T>A (p.Leu475=)

Gene: CLCN6 (chloride voltage-gated channel 6; plus strand). Cytogenetic location: 1p36.22.
Variant type: single nucleotide variant.
Coding change: c.1425T>A on transcript NM_001286.5 (MANE Select); coding-DNA position 1425, T replaced by A.
Protein change: p.Leu475=; no amino-acid change (leucine 475 retained).
Molecular consequence: synonymous variant. On other transcripts: non-coding transcript variant (1).
Genome position (GRCh38, 1-based): chr1:11,833,929, T>A. VCF-style: chr1-11833929-T-A. GRCh37 (hg19) VCF-style: chr1-11893986-T-A.
Other names: c.1359T>A, p.Leu453= (NM_001256959.2).
Identifiers: ClinVar variation 1438581 (VCV001438581.6), dbSNP rs376468817, ClinGen allele CA416360392.
Genomic context (GRCh38, chr1:11,833,929, plus strand): 5'-CCTTGCAGGTACTTTCAGCCCCGTCACTCTGGCCTTGTTCTTCGTTCTCTATTTCTTGCT[T>A]GCATGTTGGACTTACGGCATTTCTGTTCCAAGTGGCCTTTTTGTGCCTTCTCTGCTGTGT-3'
Protein context (NP_001277.2, residues 465-485): LALFFVLYFL[Leu475=]ACWTYGISVP